The following is an entry in ClinVar:

NM_000138.5(FBN1):c.4891T>A (p.Cys1631Ser)

Gene: FBN1 (fibrillin 1; minus strand). Cytogenetic location: 15q21.1.
Variant type: single nucleotide variant.
Coding change: c.4891T>A on transcript NM_000138.5 (MANE Select); coding-DNA position 4891, T replaced by A.
Protein change: p.Cys1631Ser; replaces cysteine 1631 with serine.
Molecular consequence: missense variant.
Genome position (GRCh38, 1-based): chr15:48,465,619, A>T on the plus strand (T>A on the coding strand, the complement: FBN1 is on the minus strand). VCF-style: chr15-48465619-A-T. GRCh37 (hg19) VCF-style: chr15-48757816-A-T.
Other names: short protein forms C1631S.
Identifiers: ClinVar variation 457227 (VCV000457227.10), dbSNP rs1555396998, ClinGen allele CA392351157.

ClinVar aggregate classification (germline): Likely pathogenic. Review status: criteria provided, multiple submitters, no conflicts (2 of 4 stars). 3 submissions from 3 submitters: Likely pathogenic (3). Last evaluated 2024-02-14.

Conditions:
Marfan syndrome (MFS). Also called: MARFAN SYNDROME, TYPE I; FBN1-Related Marfan Syndrome; Marfan syndrome type 1; Marfan's syndrome; Marfan syndrome, classic. Identifiers: Orphanet 284963, Orphanet 558, MedGen C0024796, MONDO:0007947, OMIM 154700.
Familial thoracic aortic aneurysm and aortic dissection (TAAD). Also called: Thoracic aortic aneurysms and dissections. Identifiers: Orphanet 91387, MedGen C4707243, MONDO:0019625.

Submissions (3):

Color Diagnostics, LLC DBA Color Health
Classification: Likely pathogenic for Familial thoracic aortic aneurysm and aortic dissection. Last evaluated: 2024-02-14. Review status: criteria provided, single submitter. Criteria: ACMG Guidelines, 2015. Collection method: clinical testing. Allele origin: germline.
Comment: This variant affects a cysteine residue located within a calcium-binding EGF-like domain of the FBN1 protein. Cysteine residues in cbEGF-like domains are involved in the formation of disulfide bridges, which are critical for FBN1 protein structure and stability (PMID: 4750422, 16677079). Computational prediction suggests that this variant may have deleterious impact on protein structure and function (internally defined REVEL score threshold >= 0.7, PMID: 27666373). To our knowledge, functional studies have not been reported for this variant. This variant has not been reported in individuals affected with FBN1-related disorders in the literature. This variant has not been identified in the general population by the Genome Aggregation Database (gnomAD). Based on the available evidence, this variant is classified as Likely Pathogenic.

All of Us Research Program, National Institutes of Health
Classification: Likely pathogenic for Marfan syndrome. Last evaluated: 2023-12-11. Review status: criteria provided, single submitter. Criteria: ACMG Guidelines, 2015. Collection method: clinical testing. Allele origin: germline. Inheritance: Autosomal dominant inheritance. Observed: 1 variant allele, 1 heterozygote.
Comment: The c.4891T>A (p.Cys1631Ser) variant in the FBN1 gene has not been reported in individuals with FBN1-related conditions. This variant affects a cysteine residue in the calcium binding EGF-like (cbEGF23) domain (PMID: 12938084, 17627385). Cysteine residues are believed to be involved in intramolecular disulfide bridges and have been shown to be important for FBN1 protein structure (PMID: 16905551, 19349279). In-silico computational prediction tools suggest that this variant may have deleterious effect on the protein function (REVEL score: 0.97). This variant is found to be absent in the general population database (gnomAD) and interpreted as likely pathogenic by one ClinVar submitter (ClinVar ID: 457227). Therefore, the c.4891T>A (p.Cys1631Ser) variant in FBN1 is classified as likely pathogenic.

This study involves interpretation of variants in research participants for the purpose of population health screening. Participant phenotype was not available at the time of variant classification. Additional details can be found in publication PMID: 35346344, PMCID: PMC8962531

Labcorp Genetics (formerly Invitae), Labcorp
Classification: Likely pathogenic for Marfan syndrome; Familial thoracic aortic aneurysm and aortic dissection. Last evaluated: 2017-07-31. Review status: criteria provided, single submitter. Criteria: Invitae Variant Classification Sherloc (09022015). Collection method: clinical testing. Allele origin: germline.
Comment: This variant is not present in population databases (ExAC no frequency). This sequence change replaces cysteine with serine at codon 1631 of the FBN1 protein (p.Cys1631Ser). The cysteine residue is highly conserved and there is a moderate physicochemical difference between cysteine and serine. This variant has not been reported in the literature in individuals with FBN1-related disease. In summary, this variant is a novel missense change affecting a residue crucial for protein stability and function. Although additional genetic data will be necessary to further confirm pathogenicity for this variant, cysteine substitutions located in FBN1 EGF-like domains are likely deleterious. For these reasons, this variant has been classified as Likely Pathogenic. This variant affects a cysteine residue located within an epidermal-growth-factor (EGF)–like domain of the FBN1 protein. Cysteine residues in these domains have been shown to be involved in the formation of disulfide bridges, which are critical for FBN1 protein structure and stability (PMID: 10486319, 3495735, 4750422, 16677079). In addition, missense substitutions within the FBN1 EGF-like domains affecting cysteine residues are significantly overrepresented among patients with Marfan syndrome (PMID: 16571647, 17701892).

Literature cited by the submitters: PubMed 4750422 (cited by Color Diagnostics, LLC DBA Color Health and Labcorp Genetics (formerly Invitae), Labcorp); PubMed 16677079 (cited by Color Diagnostics, LLC DBA Color Health and Labcorp Genetics (formerly Invitae), Labcorp); PubMed 12938084 (cited by All of Us Research Program, National Institutes of Health); PubMed 16905551 (cited by All of Us Research Program, National Institutes of Health); PubMed 17627385 (cited by All of Us Research Program, National Institutes of Health); PubMed 19349279 (cited by All of Us Research Program, National Institutes of Health); PubMed 10486319 (cited by Labcorp Genetics (formerly Invitae), Labcorp); PubMed 3495735 (cited by Labcorp Genetics (formerly Invitae), Labcorp); PubMed 16571647 (cited by Labcorp Genetics (formerly Invitae), Labcorp); PubMed 17701892 (cited by Labcorp Genetics (formerly Invitae), Labcorp).